The following is an entry in ClinVar:

NM_005144.5(HR):c.-248C>G

Genes: HR (HR lysine demethylase and nuclear receptor corepressor; minus strand), HRURF (HR upstream open reading frame; minus strand). Cytogenetic location: 8p21.3.
Variant type: single nucleotide variant.
Coding change: c.-248C>G on transcript NM_005144.5 (MANE Select); 248 bases upstream of the start codon, C replaced by G.
Molecular consequence: 5 prime UTR variant. On other transcripts: missense variant (1).
Genome position (GRCh38, 1-based): chr8:22,130,635, G>C on the plus strand (C>G on the coding strand, the complement: HR is on the minus strand). VCF-style: chr8-22130635-G-C. GRCh37 (hg19) VCF-style: chr8-21988148-G-C.
Other names: c.74C>G, p.Pro25Arg (NM_001394132.1); c.-248C>G (NM_018411.4); short protein forms P25R.
Identifiers: ClinVar variation 2001115 (VCV002001115.4), dbSNP rs2538893227, ClinGen allele CA2580078064.
Genomic context (GRCh38, chr8:22,130,635, plus strand): 5'-TCTCCTTCCCCCGGGGCGGCGGGGGCGCTCTAGGGCCGCAGGTTGGAGGGGTCGGACTCC[G>C]GGATCTGCAGGATGCGGCACACGGCGCGGATCGGCCGCACCAGCTTCTGGGCCGAGGCCG-3'

ClinVar aggregate classification (germline): Likely pathogenic (1 of 4 stars; one submission).

Submission:

Labcorp Genetics (formerly Invitae), Labcorp
Classification: Likely pathogenic. Last evaluated: 2025-02-19. Review status: criteria provided, single submitter. Criteria: Invitae Variant Classification Sherloc (09022015). Collection method: clinical testing. Allele origin: germline.
Comment: This variant occurs in an alternate reading frame HRURF in the HR gene as c.74C>G (p.Pro25Arg), and corresponds to NM_005144.4:c.-248C>G in the primary transcript. This sequence change replaces proline, which is neutral and non-polar, with arginine, which is basic and polar, at codon 25 of the HRURF protein (p.Pro25Arg). This variant is not present in population databases (gnomAD no frequency). This missense change has been observed in individuals with clinical features of autosomal dominant Marie Unna hereditary hypotrichosis (PMID: 28406533; internal data). It has also been observed to segregate with disease in related individuals. ClinVar contains an entry for this variant (Variation ID: 2001115). This variant disrupts the p.Pro25 amino acid residue in HRURF. Other variant(s) that disrupt this residue have been determined to be pathogenic (PMID: 20163456, 24261346). This suggests that this residue is clinically significant, and that variants that disrupt this residue are likely to be disease-causing. In summary, the currently available evidence indicates that the variant is pathogenic, but additional data are needed to prove that conclusively. Therefore, this variant has been classified as Likely Pathogenic.

Literature cited by the submitters: PubMed 28406533; PubMed 20163456; PubMed 24261346.